The following is an entry in ClinVar:

ClinVar aggregate classification (germline): Uncertain significance (1 of 4 stars; one submission).

Submission:

Labcorp Genetics (formerly Invitae), Labcorp
Classification: Uncertain significance. Last evaluated: 2023-12-11. Review status: criteria provided, single submitter. Criteria: Invitae Variant Classification Sherloc (09022015). Collection method: clinical testing. Allele origin: germline.
Comment: This sequence change replaces glutamic acid, which is acidic and polar, with lysine, which is basic and polar, at codon 715 of the ACAN protein (p.Glu715Lys). This variant is not present in population databases (gnomAD no frequency). This variant has not been reported in the literature in individuals affected with ACAN-related conditions. Advanced modeling of protein sequence and biophysical properties (such as structural, functional, and spatial information, amino acid conservation, physicochemical variation, residue mobility, and thermodynamic stability) performed at Invitae indicates that this missense variant is not expected to disrupt ACAN protein function with a negative predictive value of 80%. In summary, the available evidence is currently insufficient to determine the role of this variant in disease. Therefore, it has been classified as a Variant of Uncertain Significance.

NM_001369268.1(ACAN):c.2143G>A (p.Glu715Lys)

Gene: ACAN (aggrecan; plus strand). Cytogenetic location: 15q26.1.
Variant type: single nucleotide variant.
Coding change: c.2143G>A on transcript NM_001369268.1 (MANE Select); coding-DNA position 2143, G replaced by A.
Protein change: p.Glu715Lys; replaces glutamic acid 715 with lysine.
Molecular consequence: missense variant.
Genome position (GRCh38, 1-based): chr15:88,851,910, G>A. VCF-style: chr15-88851910-G-A. GRCh37 (hg19) VCF-style: chr15-89395141-G-A.
Other names: c.2143G>A, p.Glu715Lys (NM_001135.4, NM_001411096.1, NM_001411097.1 and 1 more transcripts); short protein forms E715K.
Identifiers: ClinVar variation 2844163 (VCV002844163.3), dbSNP rs2505295348, ClinGen allele CA393714002.